The following is an entry in ClinVar:

NM_001164508.2(NEB):c.12298C>G (p.Gln4100Glu)

Gene: NEB (nebulin; minus strand). Cytogenetic location: 2q23.3.
Variant type: single nucleotide variant.
Coding change: c.12298C>G on transcript NM_001164508.2 (MANE Select); coding-DNA position 12298, C replaced by G.
Protein change: p.Gln4100Glu; replaces glutamine 4100 with glutamic acid.
Molecular consequence: missense variant.
Genome position (GRCh38, 1-based): chr2:151,609,841, G>C on the plus strand (C>G on the coding strand, the complement: NEB is on the minus strand). VCF-style: chr2-151609841-G-C. GRCh37 (hg19) VCF-style: chr2-152466355-G-C.
Other names: c.12298C>G, p.Gln4100Glu (NM_001164507.2, NM_001271208.2); c.11569C>G, p.Gln3857Glu (NM_004543.5); c.11569C>G (NM_004543.4); short protein forms Q3857E, Q4100E.
Identifiers: ClinVar variation 645484 (VCV000645484.29), dbSNP rs373829936, ClinGen allele CA1908551.

ClinVar aggregate classification (germline): Conflicting classifications of pathogenicity. Review status: criteria provided, conflicting classifications (1 of 4 stars). 7 submissions from 7 submitters: Uncertain significance (5); Likely benign (1). 1 of the submissions does not count toward it. Last evaluated 2025-12-28.

Conditions:
Inborn genetic diseases. Identifiers: MedGen C0950123, MeSH D030342.
Nemaline myopathy 2 (NEM2). Also called: Nemaline myopathy 2, autosomal recessive. Identifiers: MedGen C1850569, MONDO:0009725, OMIM 256030.

Allele frequency attached by ClinVar (database versions not stated): ExAC 0.00008; gnomAD 0.00010 and 0.00011; TOPMed 0.00011; ESP Exome Variant Server 0.00016.
gnomAD v4.1: 198 of 1,594,454 alleles (0.012%); highest among the groups gnomAD compares: Non-Finnish European, 0.017%; no homozygotes.

Submissions (7):

Labcorp Genetics (formerly Invitae), Labcorp
Classification: Uncertain significance for Nemaline myopathy 2. Last evaluated: 2025-12-28. Review status: criteria provided, single submitter. Criteria: Invitae Variant Classification Sherloc (09022015). Collection method: clinical testing. Allele origin: germline.
Comment: This sequence change replaces glutamine, which is neutral and polar, with glutamic acid, which is acidic and polar, at codon 4100 of the NEB protein (p.Gln4100Glu). This variant is present in population databases (rs373829936, gnomAD 0.01%). This variant has not been reported in the literature in individuals affected with NEB-related conditions. ClinVar contains an entry for this variant (Variation ID: 645484). Experimental studies and prediction algorithms are not available or were not evaluated, and the functional significance of this variant is currently unknown. In summary, the available evidence is currently insufficient to determine the role of this variant in disease. Therefore, it has been classified as a Variant of Uncertain Significance.

Blueprint Genetics
Classification: Uncertain significance. Last evaluated: 2024-10-14. Review status: criteria provided, single submitter. Criteria: ACMG Guidelines, 2015. Collection method: clinical testing. Allele origin: germline.

GeneDx
Classification: Uncertain significance. Last evaluated: 2024-09-30. Review status: criteria provided, single submitter. Criteria: GeneDx Variant Classification Process June 2021. Collection method: clinical testing. Allele origin: germline.
Comment: In silico analysis indicates that this missense variant does not alter protein structure/function; Has not been previously published as pathogenic or benign to our knowledge

CeGaT Center for Human Genetics Tuebingen
Classification: Likely benign. Last evaluated: 2024-07-01. Review status: criteria provided, single submitter. Criteria: CeGaT Center For Human Genetics Tuebingen Variant Classification Criteria Version 2. Collection method: clinical testing. Allele origin: germline. Affected: yes. Observed: 1 variant allele.
Comment: NEB: BP4

Ambry Genetics
Classification: Uncertain significance for Inborn genetic diseases. Last evaluated: 2024-02-12. Review status: criteria provided, single submitter. Criteria: Ambry Variant Classification Scheme 2023. Collection method: clinical testing. Allele origin: germline.

Revvity Omics, Revvity
Classification: Uncertain significance. Last evaluated: 2019-11-08. Review status: criteria provided, single submitter. Criteria: ACMG Guidelines, 2015. Collection method: clinical testing. Allele origin: germline.

Natera, Inc.
Classification: Uncertain significance for Nemaline myopathy type 2. Last evaluated: 2020-01-11. Review status: no assertion criteria provided. Collection method: clinical testing. Allele origin: germline. Not counted in ClinVar's aggregate classification.